The following is an entry in ClinVar:

NM_004656.4(BAP1):c.588G>A (p.Trp196Ter)

Gene: BAP1 (BRCA1 associated deubiquitinase 1; minus strand). Cytogenetic location: 3p21.1.
Variant type: single nucleotide variant.
Coding change: c.588G>A on transcript NM_004656.4 (MANE Select); coding-DNA position 588, G replaced by A.
Protein change: p.Trp196Ter; replaces tryptophan 196 with a stop codon.
Molecular consequence: nonsense.
Genome position (GRCh38, 1-based): chr3:52,406,900, C>T on the plus strand (G>A on the coding strand, the complement: BAP1 is on the minus strand). VCF-style: chr3-52406900-C-T. GRCh37 (hg19) VCF-style: chr3-52440916-C-T.
Other names: c.588G>A, p.Trp196Ter (NM_001410772.1); short protein forms W196*.
Identifiers: ClinVar variation 1750309 (VCV001750309.2), dbSNP rs1193212091, ClinGen allele CA353109202.

ClinVar aggregate classification (germline): Pathogenic (1 of 4 stars; one submission).

Conditions:
Hereditary cancer-predisposing syndrome. Also called: Hereditary Cancer Syndrome; Hereditary neoplastic syndrome; Neoplastic Syndromes, Hereditary; Tumor predisposition. Identifiers: Orphanet 140162, MedGen C0027672, MeSH D009386, MONDO:0015356.

Submission:

Ambry Genetics
Classification: Pathogenic for Hereditary cancer-predisposing syndrome. Last evaluated: 2019-12-31. Review status: criteria provided, single submitter. Criteria: Ambry Variant Classification Scheme 2023. Collection method: clinical testing. Allele origin: germline.
Comment: The p.W196* pathogenic mutation (also known as c.588G>A), located in coding exon 8 of the BAP1 gene, results from a G to A substitution at nucleotide position 588. This changes the amino acid from a tryptophan to a stop codon within coding exon 8. This alteration has been detected in an individual with cutaneous melanoma with a family history of uveal melanoma (Popova T et al. Am. J. Hum. Genet., 2013 Jun;92:974-80). This alteration was also detected in an individual with leptomeningeal melanoma and family history of uveal melanoma (de la Fouchardi&egrave;re A et al. Acta Neuropathol., 2015 Jun;129:921-3). In addition to the clinical data presented in the literature, this alteration is expected to result in loss of function by premature protein truncation or nonsense-mediated mRNA decay. As such, this alteration is interpreted as a disease-causing mutation.

Literature cited by the submitters: PubMed 23684012; PubMed 25900292.